The following is an entry in ClinVar:

NM_000194.3(HPRT1):c.27+6C>G

Genes: HPRT1 (hypoxanthine phosphoribosyltransferase 1; plus strand), LOC107032760 (origin of replication in promoter/intron 1 of HPRT1; plus strand), LOC129929047 (ATAC-STARR-seq lymphoblastoid silent region 21009; plus strand). Cytogenetic location: Xq26.2.
Variant type: single nucleotide variant.
Coding change: c.27+6C>G on transcript NM_000194.3 (MANE Select); 6 bases into the intron after coding-DNA position 27, C replaced by G.
Molecular consequence: intron variant.
Genome position (GRCh38, 1-based): chrX:134,460,344, C>G. VCF-style: chrX-134460344-C-G. GRCh37 (hg19) VCF-style: chrX-133594374-C-G.
Identifiers: ClinVar variation 4784001 (VCV004784001.1).

ClinVar aggregate classification (germline): Uncertain significance (1 of 4 stars; one submission).

Conditions:
Lesch-Nyhan syndrome (LNS). Also called: Lesch-Nyhan Disease (LND); HPRT DEFICIENCY, COMPLETE. Identifiers: Orphanet 510, MedGen C0023374, MONDO:0010298, OMIM 300322.
Partial hypoxanthine-guanine phosphoribosyltransferase deficiency. Also called: GOUT, HPRT-RELATED; HPRT DEFICIENCY, PARTIAL; HYPOXANTHINE GUANINE PHOSPHORIBOSYLTRANSFERASE 1 DEFICIENCY, PARTIAL; Kelley-Seegmiller Syndrome; HPRT1 DEFICIENCY, PARTIAL. Identifiers: Orphanet 79233, MedGen C0268117, MONDO:0010299, OMIM 300323.

Submission:

Labcorp Genetics (formerly Invitae), Labcorp
Classification: Uncertain significance for Lesch-Nyhan syndrome; Partial hypoxanthine-guanine phosphoribosyltransferase deficiency. Last evaluated: 2025-04-02. Review status: criteria provided, single submitter. Criteria: Invitae Variant Classification Sherloc (09022015). Collection method: clinical testing. Allele origin: germline.
Comment: This sequence change falls in intron 1 of the HPRT1 gene. It does not directly change the encoded amino acid sequence of the HPRT1 protein. It affects a nucleotide within the consensus splice site. This variant is not present in population databases (gnomAD no frequency). This variant has not been reported in the literature in individuals affected with HPRT1-related conditions. Variants that disrupt the consensus splice site are a relatively common cause of aberrant splicing (PMID: 17576681, 9536098). Algorithms developed to predict the effect of sequence changes on RNA splicing suggest that this variant is not likely to affect RNA splicing. In summary, the available evidence is currently insufficient to determine the role of this variant in disease. Therefore, it has been classified as a Variant of Uncertain Significance.

Literature cited by the submitters: PubMed 17576681; PubMed 9536098.